The following is an entry in ClinVar:

ClinVar aggregate classification (germline): Uncertain significance. Review status: criteria provided, multiple submitters, no conflicts (2 of 4 stars). 2 submissions from 2 submitters: Uncertain significance (2). Last evaluated 2025-09-18.

Conditions:
Hereditary cancer-predisposing syndrome. Also called: Neoplastic Syndromes, Hereditary; Hereditary Cancer Syndrome; Tumor predisposition; Hereditary neoplastic syndrome. Identifiers: Orphanet 140162, MedGen C0027672, MeSH D009386, MONDO:0015356.
Neuroblastoma, susceptibility to, 3. Also called: ALK-Related Neuroblastic Tumor Susceptibility. Identifiers: Orphanet 635, MedGen C2751681, MONDO:0013083, OMIM 613014.

Submissions (2):

Ambry Genetics
Classification: Uncertain significance for Hereditary cancer-predisposing syndrome. Last evaluated: 2025-09-18. Review status: criteria provided, single submitter. Criteria: Ambry Variant Classification Scheme 2023. Collection method: clinical testing. Allele origin: germline.
Comment: The p.L1165F variant (also known as c.3493C>T), located in coding exon 22 of the ALK gene, results from a C to T substitution at nucleotide position 3493. The leucine at codon 1165 is replaced by phenylalanine, an amino acid with highly similar properties. This amino acid position is highly conserved in available vertebrate species. In addition, the in silico prediction for this alteration is inconclusive. Based on the available evidence, the clinical significance of this variant remains unclear.

Labcorp Genetics (formerly Invitae), Labcorp
Classification: Uncertain significance for Neuroblastoma, susceptibility to, 3. Last evaluated: 2025-07-23. Review status: criteria provided, single submitter. Criteria: Invitae Variant Classification Sherloc (09022015). Collection method: clinical testing. Allele origin: germline.
Comment: This sequence change replaces leucine, which is neutral and non-polar, with phenylalanine, which is neutral and non-polar, at codon 1165 of the ALK protein (p.Leu1165Phe). This variant is not present in population databases (gnomAD no frequency). This variant has not been reported in the literature in individuals affected with ALK-related conditions. ClinVar contains an entry for this variant (Variation ID: 2566611). An algorithm developed to predict the effect of missense changes on protein structure and function (PolyPhen-2) suggests that this variant is likely to be disruptive. In summary, the available evidence is currently insufficient to determine the role of this variant in disease. Therefore, it has been classified as a Variant of Uncertain Significance.

NM_004304.5(ALK):c.3493C>T (p.Leu1165Phe)

Gene: ALK (ALK receptor tyrosine kinase; minus strand). Cytogenetic location: 2p23.2.
Variant type: single nucleotide variant.
Coding change: c.3493C>T on transcript NM_004304.5 (MANE Select); coding-DNA position 3493, C replaced by T.
Protein change: p.Leu1165Phe; replaces leucine 1165 with phenylalanine.
Molecular consequence: missense variant.
Genome position (GRCh38, 1-based): chr2:29,222,366, G>A on the plus strand (C>T on the coding strand, the complement: ALK is on the minus strand). VCF-style: chr2-29222366-G-A. GRCh37 (hg19) VCF-style: chr2-29445232-G-A.
Other names: c.289C>T, p.Leu97Phe (NM_001353765.2); short protein forms L1165F, L97F.
Identifiers: ClinVar variation 2566611 (VCV002566611.4), dbSNP rs2148168615, ClinGen allele CA346463026.
Genomic context (GRCh38, chr2:29,222,366, plus strand): 5'-AGGGGAGTTGGGGTGAGGGTGTCTCTCTGTGGCTTTACCTGATGATCAGGGCTTCCATGA[G>A]GAAATCCAGTTCGTCCTGTTCAGAGCACACTTCAGGCAGCGTCTGGGCAGAGAAGGGGAG-3'
Protein context (NP_004295.2, residues 1155-1175): VCSEQDELDF[Leu1165Phe]MEALIISKFN